The following is an entry in ClinVar:

ClinVar aggregate classification (germline): Uncertain significance (1 of 4 stars; one submission).

Conditions:
SCUBE3-related condition.

Submission:

PreventionGenetics, part of Exact Sciences
Classification: Uncertain significance for SCUBE3-related condition. Last evaluated: 2026-02-04. Review status: criteria provided, single submitter. Criteria: ACMG Guidelines, 2015. Collection method: clinical testing. Allele origin: germline.
Comment: The SCUBE3 c.1802C>T variant is predicted to result in the amino acid substitution p.Ala601Val. To our knowledge, this variant has not been reported in the literature or in a large population database (gnomAD), indicating this variant is rare. At this time, the clinical significance of this variant is uncertain due to the absence of conclusive functional and genetic evidence.

NM_152753.4(SCUBE3):c.1802C>T (p.Ala601Val)

Gene: SCUBE3 (signal peptide, CUB domain and EGF like domain containing 3; plus strand). Cytogenetic location: 6p21.31.
Variant type: single nucleotide variant.
Coding change: c.1802C>T on transcript NM_152753.4 (MANE Select); coding-DNA position 1802, C replaced by T.
Protein change: p.Ala601Val; replaces alanine 601 with valine.
Molecular consequence: missense variant.
Genome position (GRCh38, 1-based): chr6:35,243,129, C>T. VCF-style: chr6-35243129-C-T. GRCh37 (hg19) VCF-style: chr6-35210906-C-T.
Other names: c.1799C>T, p.Ala600Val (NM_001303136.2); short protein forms A601V, A600V.
Identifiers: ClinVar variation 4978117 (VCV004978117.1).